The following is an entry in ClinVar:

ClinVar aggregate classification (germline): Pathogenic (1 of 4 stars; one submission).

Conditions:
Autosomal recessive nonsyndromic hearing loss 4 (DFNB4). Also called: Deafness, autosomal recessive 4; FOXI1-Related Pendred Syndrome; KCNJ10-Related Pendred Syndrome; DEAFNESS, AUTOSOMAL RECESSIVE 4, WITH ENLARGED VESTIBULAR AQUEDUCT, DIGENIC; NEUROSENSORY NONSYNDROMIC RECESSIVE DEAFNESS 4; Nonsyndromic enlarged vestibular aqueduct (NSEVA). Identifiers: Orphanet 90636, MedGen C3538946, MONDO:0010933, OMIM 600791.

Submission:

Institute of Rare Diseases, West China Hospital, Sichuan University
Classification: Pathogenic for Autosomal recessive nonsyndromic hearing loss 4. Last evaluated: 2025-01-09. Review status: criteria provided, single submitter. Criteria: ClinGen HL ACMG Specifications v1. Collection method: research. Allele origin: germline. Affected: yes.
Comment: PVS1;PP4;PM2_Supporting

NM_000441.2(SLC26A4):c.2205_2206del (p.Gln736fs)

Gene: SLC26A4 (solute carrier family 26 member 4; plus strand). Cytogenetic location: 7q22.3.
Variant type: Microsatellite.
Coding change: c.2205_2206del on transcript NM_000441.2 (MANE Select); coding-DNA positions 2205 to 2206, 2 bases deleted (TC; older notation c.2205_2206delTC).
Protein change: p.Gln736fs; shifts the reading frame from glutamine 736.
Molecular consequence: frameshift variant.
Genome position (GRCh38, 1-based): chr7:107,710,169-107,710,170, TC deleted; deleting any 2 consecutive bases within chr7:107,710,167-107,710,170 gives the same sequence; the c. name uses the placement nearest the transcript's 3' end. VCF-style (leftmost placement, unchanged base first): chr7-107710166-ATC-A. GRCh37 (hg19) VCF-style: chr7-107350611-ATC-A.
Other names: short protein forms Q736fs.
Identifiers: ClinVar variation 3601765 (VCV003601765.1).